The following is an entry in ClinVar:

NM_212482.4(FN1):c.242G>A (p.Gly81Glu)

Gene: FN1 (fibronectin 1; minus strand). Cytogenetic location: 2q35.
Variant type: single nucleotide variant.
Coding change: c.242G>A on transcript NM_212482.4 (MANE Select); coding-DNA position 242, G replaced by A.
Protein change: p.Gly81Glu; replaces glycine 81 with glutamic acid.
Molecular consequence: missense variant.
Genome position (GRCh38, 1-based): chr2:215,434,731, C>T on the plus strand (G>A on the coding strand, the complement: FN1 is on the minus strand). VCF-style: chr2-215434731-C-T. GRCh37 (hg19) VCF-style: chr2-216299454-C-T.
Other names: c.242G>A, p.Gly81Glu (NM_001306129.2, NM_001306130.2, NM_001306131.2 and 14 more transcripts); short protein forms G81E.
Identifiers: ClinVar variation 3001665 (VCV003001665.3), dbSNP rs1390352478, ClinGen allele CA350480079.

ClinVar aggregate classification (germline): Uncertain significance (1 of 4 stars; one submission).

Allele frequency attached by ClinVar (database versions not stated): gnomAD 0.00001; TOPMed 0.00001; gnomAD exomes below 0.00001.
gnomAD v4.1: 2 of 1,614,060 alleles (0.00012%); highest among the groups gnomAD compares: Admixed American, 0.0033%; no homozygotes.

Submission:

Labcorp Genetics (formerly Invitae), Labcorp
Classification: Uncertain significance. Last evaluated: 2025-04-17. Review status: criteria provided, single submitter. Criteria: Invitae Variant Classification Sherloc (09022015). Collection method: clinical testing. Allele origin: germline.
Comment: This sequence change replaces glycine, which is neutral and non-polar, with glutamic acid, which is acidic and polar, at codon 81 of the FN1 protein (p.Gly81Glu). This variant is present in population databases (no rsID available, gnomAD 0.003%). This variant has not been reported in the literature in individuals affected with FN1-related conditions. ClinVar contains an entry for this variant (Variation ID: 3001665). An algorithm developed to predict the effect of missense changes on protein structure and function (PolyPhen-2) suggests that this variant is likely to be disruptive. In summary, the available evidence is currently insufficient to determine the role of this variant in disease. Therefore, it has been classified as a Variant of Uncertain Significance.